The following is an entry in ClinVar:

ClinVar aggregate classification (germline): Pathogenic (1 of 4 stars; one submission).

Conditions:
Myofibrillar myopathy 5. Also called: Filaminopathy (type); FILAMINOPATHY, AUTOSOMAL DOMINANT. Identifiers: Orphanet 171445, MedGen C1836050, MONDO:0012289, OMIM 609524.
Distal myopathy with posterior leg and anterior hand involvement. Also called: WILLIAMS DISTAL MYOPATHY. Identifiers: Orphanet 63273, MedGen C3279722, MONDO:0013550, OMIM 614065.
Hypertrophic cardiomyopathy 26. Also called: Cardiomyopathy, familial hypertrophic, 26. Identifiers: Orphanet 75249, MedGen C4310749, MONDO:0014883, OMIM 617047.
Dilated Cardiomyopathy, Dominant.

Submission:

Labcorp Genetics (formerly Invitae), Labcorp
Classification: Pathogenic for Distal myopathy with posterior leg and anterior hand involvement; Myofibrillar myopathy 5; Hypertrophic cardiomyopathy 26. Last evaluated: 2022-10-07. Review status: criteria provided, single submitter. Criteria: Invitae Variant Classification Sherloc (09022015). Collection method: clinical testing. Allele origin: germline.
Comment: A gross deletion of the genomic region encompassing the full coding sequence of the FLNC gene has been identified. Loss-of-function variants in FLNC are known to be pathogenic (PMID: 27908349). The boundaries of this event are unknown as they extend beyond the assayed region for this gene and therefore may encompass additional genes. This variant has not been reported in the literature in individuals affected with FLNC-related conditions. For these reasons, this variant has been classified as Pathogenic.

Literature cited by the submitters: PubMed 27908349.

NC_000007.13:g.(?_128470692)_(128498577_?)del

Gene: FLNC (filamin C; plus strand). Cytogenetic location: 7q32.1.
Variant type: Deletion.
Identifiers: ClinVar variation 2424180 (VCV002424180.4).